The following is an entry in ClinVar:

ClinVar aggregate classification (germline): Likely benign. Review status: criteria provided, multiple submitters, no conflicts (2 of 4 stars). 2 submissions from 2 submitters: Likely benign (2). Last evaluated 2022-07-30.

Conditions:
Tuberous sclerosis 2 (TSC2). Identifiers: Orphanet 805, MedGen C1860707, MONDO:0013199, OMIM 613254.

gnomAD v4.1: 1 of 1,613,034 alleles (0.000062%); highest among the groups gnomAD compares: Admixed American, 0.0017%; no homozygotes.

Submissions (2):

Labcorp Genetics (formerly Invitae), Labcorp
Classification: Likely benign for Tuberous sclerosis 2. Last evaluated: 2022-07-30. Review status: criteria provided, single submitter. Criteria: Invitae Variant Classification Sherloc (09022015). Collection method: clinical testing. Allele origin: germline.

GeneDx
Classification: Likely benign. Last evaluated: 2015-10-20. Review status: criteria provided, single submitter. Criteria: GeneDx Variant Classification (06012015). Collection method: clinical testing. Allele origin: germline. Affected: yes.
Comment: This variant is considered likely benign or benign based on one or more of the following criteria: it is a conservative change, it occurs at a poorly conserved position in the protein, it is predicted to be benign by multiple in silico algorithms, and/or has population frequency not consistent with disease.

NM_000548.5(TSC2):c.2639+14C>G

Gene: TSC2 (TSC complex subunit 2; plus strand). Cytogenetic location: 16p13.3.
Variant type: single nucleotide variant.
Coding change: c.2639+14C>G on transcript NM_000548.5 (MANE Select); 14 bases into the intron after coding-DNA position 2639, C replaced by G.
Molecular consequence: intron variant.
Genome position (GRCh38, 1-based): chr16:2,075,906, C>G. VCF-style: chr16-2075906-C-G. GRCh37 (hg19) VCF-style: chr16-2125907-C-G.
Other names: c.2639+14C>G (NM_001114382.3, NM_021055.3, NM_001370405.1 and 3 more transcripts); c.2528+14C>G (NM_001318827.2); c.2039+14C>G (NM_001318831.2); c.2492+14C>G (NM_001318829.2); c.2672+14C>G (NM_001318832.2).
Identifiers: ClinVar variation 381013 (VCV000381013.5), dbSNP rs1057520927, ClinGen allele CA16607145.